The following is an entry in ClinVar:

NM_001793.6(CDH3):c.1519C>T (p.Gln507Ter)

Gene: CDH3 (cadherin 3; plus strand). Cytogenetic location: 16q22.1.
Variant type: single nucleotide variant.
Coding change: c.1519C>T on transcript NM_001793.6 (MANE Select); coding-DNA position 1519, C replaced by T.
Protein change: p.Gln507Ter; replaces glutamine 507 with a stop codon.
Molecular consequence: nonsense.
Genome position (GRCh38, 1-based): chr16:68,685,299, C>T. VCF-style: chr16-68685299-C-T. GRCh37 (hg19) VCF-style: chr16-68719202-C-T.
Other names: c.1519C>T, p.Gln507Ter (NM_001317195.3); c.1354C>T, p.Gln452Ter (NM_001317196.2); short protein forms Q452*, Q507*.
Identifiers: ClinVar variation 1071354 (VCV001071354.8), dbSNP rs1961376390, ClinGen allele CA501165.

ClinVar aggregate classification (germline): Pathogenic. Review status: criteria provided, single submitter (1 of 4 stars). 2 submissions from 2 submitters: Pathogenic (1). 1 of the submissions does not count toward it. Last evaluated 2023-08-14.

Conditions:
Retinal dystrophy. Also called: Inherited retinal dystrophy. Identifiers: Orphanet 71862, MedGen C0854723, MeSH D058499, MONDO:0019118, HP:0000556.

Allele frequency attached by ClinVar (database versions not stated): gnomAD exomes below 0.00001.
gnomAD v4.1: 3 of 1,614,136 alleles (0.00019%); highest among the groups gnomAD compares: South Asian, 0.0022%; no homozygotes.

Submissions (2):

Labcorp Genetics (formerly Invitae), Labcorp
Classification: Pathogenic. Last evaluated: 2023-08-14. Review status: criteria provided, single submitter. Criteria: Invitae Variant Classification Sherloc (09022015). Collection method: clinical testing. Allele origin: germline.
Comment: This sequence change creates a premature translational stop signal (p.Gln507*) in the CDH3 gene. It is expected to result in an absent or disrupted protein product. Loss-of-function variants in CDH3 are known to be pathogenic (PMID: 15805154, 27386845, 29620724). This variant is not present in population databases (gnomAD no frequency). This variant has not been reported in the literature in individuals affected with CDH3-related conditions. ClinVar contains an entry for this variant (Variation ID: 1071354). For these reasons, this variant has been classified as Pathogenic.

Institute of Human Genetics, Univ. Regensburg, Univ. Regensburg
Classification: Pathogenic for Retinal dystrophy. Last evaluated: 2014-01-01. Review status: no assertion criteria provided. Criteria: ACMG Guidelines, 2015. Collection method: clinical testing. Allele origin: germline. Affected: yes. Not counted in ClinVar's aggregate classification.

Literature cited by the submitters: PubMed 15805154 (cited by Labcorp Genetics (formerly Invitae), Labcorp); PubMed 27386845 (cited by Labcorp Genetics (formerly Invitae), Labcorp); PubMed 29620724 (cited by Labcorp Genetics (formerly Invitae), Labcorp).